The following is an entry in ClinVar:

ClinVar aggregate classification (germline): Uncertain significance (1 of 4 stars; one submission).

Conditions:
Progressive sclerosing poliodystrophy (MTDPS4A). Also called: Mitochondrial DNA Depletion Syndrome 4A; ALPERS PROGRESSIVE INFANTILE POLIODYSTROPHY; NEURONAL DEGENERATION OF CHILDHOOD WITH LIVER DISEASE, PROGRESSIVE; Mitochondrial DNA depletion syndrome 4A (Alpers type); Alpers-Huttenlocher Syndrome (AHS); Alpers Syndrome. Identifiers: Orphanet 726, MedGen C0205710, MONDO:0008758, OMIM 203700.

Allele frequency attached by ClinVar (database versions not stated): gnomAD exomes below 0.00001.

Submission:

Labcorp Genetics (formerly Invitae), Labcorp
Classification: Uncertain significance for Progressive sclerosing poliodystrophy. Last evaluated: 2022-08-06. Review status: criteria provided, single submitter. Criteria: Invitae Variant Classification Sherloc (09022015). Collection method: clinical testing. Allele origin: germline.
Comment: This sequence change affects codon 650 of the POLG mRNA. It is a 'silent' change, meaning that it does not change the encoded amino acid sequence of the POLG protein. It affects a nucleotide within the consensus splice site. This variant is present in population databases (no rsID available, gnomAD 0.006%). This variant has not been reported in the literature in individuals affected with POLG-related conditions. Algorithms developed to predict the effect of sequence changes on RNA splicing suggest that this variant is not likely to affect RNA splicing. In summary, the available evidence is currently insufficient to determine the role of this variant in disease. Therefore, it has been classified as a Variant of Uncertain Significance.

NM_002693.3(POLG):c.1950A>G (p.Arg650=)

Gene: POLG (DNA polymerase gamma, catalytic subunit; minus strand). Cytogenetic location: 15q26.1.
Variant type: single nucleotide variant.
Coding change: c.1950A>G on transcript NM_002693.3 (MANE Select); coding-DNA position 1950, A replaced by G.
Protein change: p.Arg650=; no amino-acid change (arginine 650 retained).
Molecular consequence: synonymous variant.
Genome position (GRCh38, 1-based): chr15:89,324,227, T>C on the plus strand (A>G on the coding strand, the complement: POLG is on the minus strand). VCF-style: chr15-89324227-T-C. GRCh37 (hg19) VCF-style: chr15-89867458-T-C.
Other names: c.1950A>G, p.Arg650= (NM_001126131.2).
Identifiers: ClinVar variation 1935379 (VCV001935379.2), dbSNP rs1372938630, ClinGen allele CA492289446.